The following is an entry in ClinVar:

ClinVar aggregate classification (germline): Likely pathogenic (1 of 4 stars; one submission).

Submission:

GeneDx
Classification: Likely pathogenic. Last evaluated: 2019-04-05. Review status: criteria provided, single submitter. Criteria: GeneDx Variant Classification Process June 2021. Collection method: clinical testing. Allele origin: germline. Affected: yes.
Comment: Not observed in large population cohorts (Lek et al., 2016); Has not been previously published as pathogenic or benign to our knowledge

NM_001111125.3(IQSEC2):c.2579_2582+12del

Gene: IQSEC2 (IQ motif and Sec7 domain ArfGEF 2; minus strand). Cytogenetic location: Xp11.22.
Variant type: Deletion.
Coding change: c.2579_2582+12del on transcript NM_001111125.3 (MANE Select); coding-DNA position 2579 through 12 bases into the intron after coding-DNA position 2582, 16 bases deleted (TCAGGTGTGCCTACCT).
Molecular consequence: splice donor variant.
Genome position (GRCh38, 1-based): chrX:53,248,102-53,248,117, AGGTAGGCACACCTGA deleted on the plus strand (TCAGGTGTGCCTACCT on the coding strand, the reverse complement: IQSEC2 is on the minus strand); deleting any 16 consecutive bases within chrX:53,248,102-53,248,120 gives the same sequence; the c. name uses the placement nearest the transcript's 3' end. VCF-style (leftmost placement, unchanged base first): chrX-53248101-GAGGTAGGCACACCTGA-G. GRCh37 (hg19) VCF-style: chrX-53277283-GAGGTAGGCACACCTGA-G.
Other names: c.1964_1967+12del (NM_015075.2).
Identifiers: ClinVar variation 546336 (VCV000546336.4), dbSNP rs1556862426, ClinGen allele CA658824141.